The following is an entry in ClinVar:

NM_004614.5(TK2):c.124+194T>C

Gene: TK2 (thymidine kinase 2; minus strand). Cytogenetic location: 16q21.
Variant type: single nucleotide variant.
Coding change: c.124+194T>C on transcript NM_004614.5 (MANE Select); 194 bases into the intron after coding-DNA position 124, T replaced by C.
Molecular consequence: intron variant. On other transcripts: 5 prime UTR variant (1), non-coding transcript variant (1).
Genome position (GRCh38, 1-based): chr16:66,549,744, A>G on the plus strand (T>C on the coding strand, the complement: TK2 is on the minus strand). VCF-style: chr16-66549744-A-G. GRCh37 (hg19) VCF-style: chr16-66583647-A-G.
Other names: c.-335T>C (NM_001272050.2); c.31+509T>C (NM_001271935.1, NM_001172643.1); c.124+194T>C (NM_001172644.2, NM_001172645.2); c.-119+194T>C (NM_001271934.2).
Identifiers: ClinVar variation 676430 (VCV000676430.2), dbSNP rs13331838, ClinGen allele CA14223589.

ClinVar aggregate classification (germline): Benign. Review status: criteria provided, multiple submitters, no conflicts (2 of 4 stars). 2 submissions from 2 submitters: Benign (2). Last evaluated 2018-06-14.

Allele frequency attached by ClinVar (database versions not stated): gnomAD exomes 0.13126; gnomAD 0.25283 and 0.25535; TOPMed 0.27874; 1000 Genomes Project 0.32288; 1000 Genomes Project 30x 0.32651.
gnomAD v4.1: 187,702 of 1,278,130 alleles (15%); highest among the groups gnomAD compares: African/African-American, 53%; 20,232 homozygotes.

Submissions (2):

GeneDx
Classification: Benign. Last evaluated: 2018-06-14. Review status: criteria provided, single submitter. Criteria: GeneDx Variant Classification (06012015). Collection method: clinical testing. Allele origin: germline. Affected: yes.
Comment: This variant is considered likely benign or benign based on one or more of the following criteria: it is a conservative change, it occurs at a poorly conserved position in the protein, it is predicted to be benign by multiple in silico algorithms, and/or has population frequency not consistent with disease.

Breakthrough Genomics
Classification: Benign. Review status: criteria provided, single submitter. Criteria: ACMG Guidelines, 2015. Collection method: not provided. Allele origin: germline. Inheritance: Autosomal recessive inheritance. Affected: yes.